The following is an entry in ClinVar:

ClinVar aggregate classification (germline): Uncertain significance (1 of 4 stars; one submission).

Submission:

GeneDx
Classification: Uncertain significance. Last evaluated: 2025-02-07. Review status: criteria provided, single submitter. Criteria: GeneDx Variant Classification Process June 2021. Collection method: clinical testing. Allele origin: germline. Affected: yes.
Comment: Not observed at significant frequency in large population cohorts (gnomAD); In-frame duplication of 3 amino acids in a non-repeat region; Has not been previously published as pathogenic or benign to our knowledge

NM_005273.4(GNB2):c.389_397dup (p.Asn132_Val133insGluGlyAsn)

Gene: GNB2 (G protein subunit beta 2; plus strand). Cytogenetic location: 7q22.1.
Variant type: Duplication.
Coding change: c.389_397dup on transcript NM_005273.4 (MANE Select); coding-DNA positions 389 to 397, 9 bases duplicated (AGGGCAACG; older notation c.389_397dupAGGGCAACG).
Protein change: p.Asn132_Val133insGluGlyAsn.
Molecular consequence: inframe insertion.
Genome position (GRCh38, 1-based): chr7:100,677,619-100,677,627, AGGGCAACG duplicated; duplicating any 9 consecutive bases within chr7:100,677,617-100,677,627 gives the same sequence; the c. name uses the placement nearest the transcript's 3' end. VCF-style (leftmost placement, unchanged base first): chr7-100677616-G-GCGAGGGCAA. GRCh37 (hg19) VCF-style: chr7-100275239-G-GCGAGGGCAA.
Identifiers: ClinVar variation 4074708 (VCV004074708.1).